The following is an entry in ClinVar:

NM_000064.4(C3):c.1479+3C>A

Gene: C3 (complement C3; minus strand). Cytogenetic location: 19p13.3.
Variant type: single nucleotide variant.
Coding change: c.1479+3C>A on transcript NM_000064.4 (MANE Select); 3 bases into the intron after coding-DNA position 1479, C replaced by A.
Molecular consequence: intron variant.
Genome position (GRCh38, 1-based): chr19:6,710,984, G>T on the plus strand (C>A on the coding strand, the complement: C3 is on the minus strand). VCF-style: chr19-6710984-G-T. GRCh37 (hg19) VCF-style: chr19-6710995-G-T.
Identifiers: ClinVar variation 3678286 (VCV003678286.2).

ClinVar aggregate classification (germline): Uncertain significance (1 of 4 stars; one submission).

gnomAD v4.1: 9 of 1,613,790 alleles (0.00056%); highest among the groups gnomAD compares: Non-Finnish European, 0.00076%; no homozygotes.

Submission:

Labcorp Genetics (formerly Invitae), Labcorp
Classification: Uncertain significance. Last evaluated: 2024-11-13. Review status: criteria provided, single submitter. Criteria: Invitae Variant Classification Sherloc (09022015). Collection method: clinical testing. Allele origin: germline.
Comment: This sequence change falls in intron 12 of the C3 gene. It does not directly change the encoded amino acid sequence of the C3 protein. It affects a nucleotide within the consensus splice site. This variant is present in population databases (no rsID available, gnomAD 0.0009%). This variant has not been reported in the literature in individuals affected with C3-related conditions. Variants that disrupt the consensus splice site are a relatively common cause of aberrant splicing (PMID: 17576681, 9536098). Algorithms developed to predict the effect of sequence changes on RNA splicing suggest that this variant is not likely to affect RNA splicing. In summary, the available evidence is currently insufficient to determine the role of this variant in disease. Therefore, it has been classified as a Variant of Uncertain Significance.

Literature cited by the submitters: PubMed 17576681; PubMed 9536098.